The following is an entry in ClinVar:

ClinVar aggregate classification (germline): Uncertain significance. Review status: criteria provided, multiple submitters, no conflicts (2 of 4 stars). 2 submissions from 2 submitters: Uncertain significance (2). Last evaluated 2022-01-14.

Conditions:
Intellectual disability, X-linked 49 (MRXSRC). Also called: MENTAL RETARDATION, X-LINKED 15; MRX49; CLCN4-Related Neurodevelopmental Disorder; CLCN4-related X-linked intellectual disability syndrome; RAYNAUD-CLAES SYNDROME. Identifiers: Orphanet 485350, Orphanet 777, MedGen C0796221, MONDO:0010250, OMIM 300114.

Submissions (2):

Labcorp Genetics (formerly Invitae), Labcorp
Classification: Uncertain significance. Last evaluated: 2022-01-14. Review status: criteria provided, single submitter. Criteria: Invitae Variant Classification Sherloc (09022015). Collection method: clinical testing. Allele origin: germline.
Comment: This sequence change replaces arginine, which is basic and polar, with glycine, which is neutral and non-polar, at codon 351 of the CLCN4 protein (p.Arg351Gly). This variant is not present in population databases (gnomAD no frequency). This missense change has been observed in individual(s) with clinical features of CLCN4-related conditions (Invitae). ClinVar contains an entry for this variant (Variation ID: 658669). Algorithms developed to predict the effect of missense changes on protein structure and function are either unavailable or do not agree on the potential impact of this missense change (SIFT: "Tolerated"; PolyPhen-2: "Possibly Damaging"; Align-GVGD: "Class C0"). In summary, the available evidence is currently insufficient to determine the role of this variant in disease. Therefore, it has been classified as a Variant of Uncertain Significance.

Department of Clinical Genetics, Copenhagen University Hospital, Rigshospitalet
Classification: Uncertain significance for Intellectual disability, X-linked 49. Last evaluated: 2021-08-01. Review status: criteria provided, single submitter. Criteria: ACMG Guidelines, 2015. Collection method: clinical testing. Allele origin: unknown. Affected: yes.

NM_001830.4(CLCN4):c.1051C>G (p.Arg351Gly)

Gene: CLCN4 (Cl-/H+ antiporter 4; plus strand). Cytogenetic location: Xp22.2.
Variant type: single nucleotide variant.
Coding change: c.1051C>G on transcript NM_001830.4 (MANE Select); coding-DNA position 1051, C replaced by G.
Protein change: p.Arg351Gly; replaces arginine 351 with glycine.
Molecular consequence: missense variant.
Genome position (GRCh38, 1-based): chrX:10,208,252, C>G. VCF-style: chrX-10208252-C-G. GRCh37 (hg19) VCF-style: chrX-10176292-C-G.
Other names: c.769C>G, p.Arg257Gly (NM_001256944.2); short protein forms R257G, R351G.
Identifiers: ClinVar variation 658669 (VCV000658669.11), dbSNP rs763535956, ClinGen allele CA412037743.
Genomic context (GRCh38, chrX:10,208,252, plus strand): 5'-GAACTCTTCCCCTTCATCCTGCTTGGGGTCTTCGGGGGCTTGTGGGGAACCCTCTTCATC[C>G]GCTGCAACATCGCCTGGTGCAGGAGGCGCAAGACCACCAGGCTGGGGAAGTACCCGGTGC-3'
Protein context (NP_001821.2, residues 341-361): FGGLWGTLFI[Arg351Gly]CNIAWCRRRK